The following is an entry in ClinVar:

ClinVar aggregate classification (germline): Uncertain significance (1 of 4 stars; one submission).

Submission:

Labcorp Genetics (formerly Invitae), Labcorp
Classification: Uncertain significance. Last evaluated: 2025-11-13. Review status: criteria provided, single submitter. Criteria: Invitae Variant Classification Sherloc (09022015). Collection method: clinical testing. Allele origin: germline.
Comment: This sequence change falls in intron 2 of the SLC4A1 gene. It does not directly change the encoded amino acid sequence of the SLC4A1 protein. It affects a nucleotide within the consensus splice site. This variant is not present in population databases (gnomAD no frequency). This variant has not been reported in the literature in individuals affected with SLC4A1-related conditions. Variants that disrupt the consensus splice site are a relatively common cause of aberrant splicing (PMID: 17576681, 9536098). Algorithms developed to predict the effect of sequence changes on RNA splicing suggest that this variant may disrupt the consensus splice site. In summary, the available evidence is currently insufficient to determine the role of this variant in disease. Therefore, it has been classified as a Variant of Uncertain Significance.

Literature cited by the submitters: PubMed 17576681; PubMed 9536098.

NM_000342.4(SLC4A1):c.15+5G>A

Gene: SLC4A1 (solute carrier family 4 member 1 (Diego blood group); minus strand). Cytogenetic location: 17q21.31.
Variant type: single nucleotide variant.
Coding change: c.15+5G>A on transcript NM_000342.4 (MANE Select); 5 bases into the intron after coding-DNA position 15, G replaced by A.
Molecular consequence: intron variant.
Genome position (GRCh38, 1-based): chr17:44,262,847, C>T on the plus strand (G>A on the coding strand, the complement: SLC4A1 is on the minus strand). VCF-style: chr17-44262847-C-T. GRCh37 (hg19) VCF-style: chr17-42340215-C-T.
Identifiers: ClinVar variation 4731190 (VCV004731190.1).
Genomic context (GRCh38, chr17:44,262,847, plus strand): 5'-GGAGTCTAGGACCAGGTCCCCAGAGCCTCCAGGTGGGAGCACTGCTGATGCCAGGGAACA[C>T]CCACCTGCAGCTCCTCCATGGCGTGGTCCTGAGTGTCCAGTTGTCTACGGTGATCTGAGC-3'